The following is an entry in ClinVar:

ClinVar aggregate classification (germline): Uncertain significance (1 of 4 stars; one submission).

gnomAD v4.1: 5 of 1,611,198 alleles (0.00031%); highest among the groups gnomAD compares: East Asian, 0.0067%; no homozygotes.

Submission:

Women's Health and Genetics/Laboratory Corporation of America, LabCorp
Classification: Uncertain significance. Last evaluated: 2026-02-25. Review status: criteria provided, single submitter. Criteria: LabCorp Variant Classification Summary - May 2015. Collection method: clinical testing. Allele origin: germline.
Comment: Variant summary: BICD2 c.1433G>A (p.Gly478Asp) results in a non-conservative amino acid change in the encoded protein sequence. Algorithms developed to predict the effect of missense changes on protein structure and function are either unavailable or do not agree on the potential impact of this missense change. The variant allele was found at a frequency of 8e-06 in 249078 control chromosomes. The available data on variant occurrences in the general population are insufficient to allow any conclusion about variant significance. To our knowledge, no occurrence of c.1433G>A in individuals affected with BICD2-related conditions and no experimental evidence demonstrating its impact on protein function have been reported. No submitters have cited clinical-significance assessments for this variant to ClinVar. Based on the evidence outlined above, the variant was classified as uncertain significance.

NM_001003800.2(BICD2):c.1433G>A (p.Gly478Asp)

Gene: BICD2 (BICD cargo adaptor 2; minus strand). Cytogenetic location: 9q22.31.
Variant type: single nucleotide variant.
Coding change: c.1433G>A on transcript NM_001003800.2 (MANE Select); coding-DNA position 1433, G replaced by A.
Protein change: p.Gly478Asp; replaces glycine 478 with aspartic acid.
Molecular consequence: missense variant.
Genome position (GRCh38, 1-based): chr9:92,719,212, C>T on the plus strand (G>A on the coding strand, the complement: BICD2 is on the minus strand). VCF-style: chr9-92719212-C-T. GRCh37 (hg19) VCF-style: chr9-95481494-C-T.
Other names: c.1433G>A, p.Gly478Asp (NM_015250.4); short protein forms G478D.
Identifiers: ClinVar variation 4848023 (VCV004848023.1).
Genomic context (GRCh38, chr9:92,719,212, plus strand): 5'-AGCTCGCGGTCCTGGCGGCTGGCCTTCTCTAGCAGGGAGACCTTCTCCGTGAGTGCCTGG[C>T]CCTCAGCCTCATAGCGGCCCTTCTCCTCGGCGTGCTGGGCCTCACGAGCCTCGTGCGTGC-3'
Protein context (NP_001003800.1, residues 468-488): AEEKGRYEAE[Gly478Asp]QALTEKVSLL